The following is an entry in ClinVar:

NM_001613.4(ACTA2):c.906del (p.Gly304fs)

Genes: ACTA2-AS1 (ACTA2 antisense RNA 1; plus strand), ACTA2 (actin alpha 2, smooth muscle; minus strand). Cytogenetic location: 10q23.31.
Variant type: Deletion.
Coding change: c.906del on transcript NM_001613.4 (MANE Select); coding-DNA position 906, one base deleted (A; older notation c.906delA).
Protein change: p.Gly304fs; shifts the reading frame from glycine 304.
Molecular consequence: frameshift variant.
Genome position (GRCh38, 1-based): chr10:88,938,145, T deleted on the plus strand (A on the coding strand, the reverse complement: ACTA2 is on the minus strand). VCF-style (leftmost placement, unchanged base first): chr10-88938144-CT-C. GRCh37 (hg19) VCF-style: chr10-90697901-CT-C.
Other names: c.906delA, p.Gly304Alafs (NM_001141945.3, NM_001320855.2, NM_001406462.1 and 3 more transcripts); c.795delA, p.Gly267Alafs (NM_001406466.1); c.777delA, p.Gly261Alafs (NM_001406467.1, NM_001406468.1, NM_001406469.1); c.714delA, p.Gly240Alafs (NM_001406471.1); short protein forms G304fs.
Identifiers: ClinVar variation 628320 (VCV000628320.6), dbSNP rs1564642714, ClinGen allele CA913188326.

ClinVar aggregate classification (germline): Uncertain significance (1 of 4 stars; one submission).

Conditions:
Familial thoracic aortic aneurysm and aortic dissection (TAAD). Also called: Thoracic aortic aneurysms and dissections. Identifiers: Orphanet 91387, MedGen C4707243, MONDO:0019625.

Submission:

Color Diagnostics, LLC DBA Color Health
Classification: Uncertain significance for Familial thoracic aortic aneurysm and aortic dissection. Last evaluated: 2019-04-09. Review status: criteria provided, single submitter. Criteria: ACMG Guidelines, 2015. Collection method: clinical testing. Allele origin: germline.
Comment: This variant deletes a single nucleotide in the penultimate exon 8 of the ACTA2 gene, causing a frameshift and premature translational stop signal. This variant is expected to result in an absent or non-functional protein product. To our knowledge, functional assays have not been performed for this variant nor has this variant been reported in individuals affected with cardiovascular disorders in the literature. This variant has not been identified in the general population by the Genome Aggregation Database (gnomAD). Disease-causing variants in ACTA2 are missense variants that appear to act in a dominant-negative manner. The role of ACTA2 truncation variants in cardiovascular disorders is not clearly established. Available evidence is insufficient to determine the role of this variant in disease conclusively. Therefore, this variant is classified as a Variant of Uncertain Significance.